The following is an entry in ClinVar:

NM_018979.4(WNK1):c.2078A>T (p.His693Leu)

Gene: WNK1 (WNK lysine deficient protein kinase 1; plus strand). Cytogenetic location: 12p13.33.
Variant type: single nucleotide variant.
Coding change: c.2078A>T on transcript NM_018979.4 (MANE Select); coding-DNA position 2078, A replaced by T.
Protein change: p.His693Leu; replaces histidine 693 with leucine.
Molecular consequence: missense variant.
Genome position (GRCh38, 1-based): chr12:862,209, A>T. VCF-style: chr12-862209-A-T. GRCh37 (hg19) VCF-style: chr12-971375-A-T.
Other names: c.2078A>T, p.His693Leu (NM_001184985.2, NM_014823.3, NM_213655.5); short protein forms H693L.
Identifiers: ClinVar variation 2938713 (VCV002938713.3), dbSNP rs776434045, ClinGen allele CA6382099.

ClinVar aggregate classification (germline): Uncertain significance (1 of 4 stars; one submission).

Conditions:
Neuropathy, hereditary sensory and autonomic, type 2A (HSAN2A). Also called: ACROOSTEOLYSIS, GIACCAI TYPE; ACROOSTEOLYSIS, NEUROGENIC; MORVAN DISEASE; NEUROPATHY, CONGENITAL SENSORY; NEUROPATHY, HEREDITARY SENSORY RADICULAR, AUTOSOMAL RECESSIVE; NEUROPATHY, HEREDITARY SENSORY, TYPE IIA. Identifiers: Orphanet 970, MedGen C2752089, MONDO:0024309, OMIM 201300.
Pseudohypoaldosteronism type 2C (PHA2C). Also called: Pseudohypoaldosteronism Type IIC. Identifiers: Orphanet 757, Orphanet 88940, MedGen C1840391, MONDO:0013778, OMIM 614492.

Allele frequency attached by ClinVar (database versions not stated): ExAC 0.00001.
gnomAD v4.1: 3 of 1,614,142 alleles (0.00019%); highest among the groups gnomAD compares: South Asian, 0.0033%; no homozygotes.

Submission:

Labcorp Genetics (formerly Invitae), Labcorp
Classification: Uncertain significance for Neuropathy, hereditary sensory and autonomic, type 2A; Pseudohypoaldosteronism type 2C. Last evaluated: 2022-11-05. Review status: criteria provided, single submitter. Criteria: Invitae Variant Classification Sherloc (09022015). Collection method: clinical testing. Allele origin: germline.
Comment: In summary, the available evidence is currently insufficient to determine the role of this variant in disease. Therefore, it has been classified as a Variant of Uncertain Significance. This sequence change replaces histidine, which is basic and polar, with leucine, which is neutral and non-polar, at codon 693 of the WNK1 protein (p.His693Leu). This variant is present in population databases (rs776434045, gnomAD 0.01%). This variant has not been reported in the literature in individuals affected with WNK1-related conditions. Advanced modeling of protein sequence and biophysical properties (such as structural, functional, and spatial information, amino acid conservation, physicochemical variation, residue mobility, and thermodynamic stability) performed at Invitae indicates that this missense variant is not expected to disrupt WNK1 protein function.